The following is an entry in ClinVar:

NM_002851.3(PTPRZ1):c.4843+8A>G

Gene: PTPRZ1 (protein tyrosine phosphatase receptor type Z1; plus strand). Cytogenetic location: 7q31.32.
Variant type: single nucleotide variant.
Coding change: c.4843+8A>G on transcript NM_002851.3 (MANE Select); 8 bases into the intron after coding-DNA position 4843, A replaced by G.
Molecular consequence: intron variant.
Genome position (GRCh38, 1-based): chr7:122,013,897, A>G. VCF-style: chr7-122013897-A-G. GRCh37 (hg19) VCF-style: chr7-121653951-A-G.
Other names: c.4801+8A>G (NM_001369396.1); c.4843+8A>G (NM_001369395.1); c.2263+2588A>G (NM_001206838.2, NM_001206839.2).
Identifiers: ClinVar variation 3387977 (VCV003387977.14).

ClinVar aggregate classification (germline): Likely benign (1 of 4 stars; one submission).

gnomAD v4.1: 4,027 of 1,590,030 alleles (0.25%); highest among the groups gnomAD compares: Non-Finnish European, 0.28%; 8 homozygotes.

Submission:

CeGaT Center for Human Genetics Tuebingen
Classification: Likely benign. Last evaluated: 2024-10-01. Review status: criteria provided, single submitter. Criteria: CeGaT Center For Human Genetics Tuebingen Variant Classification Criteria Version 2. Collection method: clinical testing. Allele origin: germline. Affected: yes. Observed: 1 variant allele.
Comment: PTPRZ1: BP4